The following is an entry in ClinVar:

ClinVar aggregate classification (germline): Uncertain significance. Review status: criteria provided, multiple submitters, no conflicts (2 of 4 stars). 4 submissions from 4 submitters: Uncertain significance (4). Last evaluated 2024-03-24.

Conditions:
Lynch syndrome. Identifiers: Orphanet 144, MedGen C4552100, MONDO:0005835. Disease mechanism: loss of function.
Hereditary cancer-predisposing syndrome. Also called: Hereditary neoplastic syndrome; Tumor predisposition; Hereditary Cancer Syndrome; Neoplastic Syndromes, Hereditary. Identifiers: Orphanet 140162, MedGen C0027672, MeSH D009386, MONDO:0015356.
Hereditary nonpolyposis colorectal neoplasms. Identifiers: MedGen C0009405, MeSH D003123.

Allele frequency attached by ClinVar (database versions not stated): gnomAD exomes below 0.00001.

Submissions (4):

All of Us Research Program, National Institutes of Health
Classification: Uncertain significance for Lynch syndrome. Last evaluated: 2024-03-24. Review status: criteria provided, single submitter. Criteria: ACMG Guidelines, 2015. Collection method: clinical testing. Allele origin: germline. Inheritance: Autosomal dominant inheritance. Observed: 1 variant allele, 1 heterozygote.
Comment: This missense variant replaces lysine with asparagine at codon 465 of the PMS2 protein. Computational prediction suggests that this variant may not impact protein structure and function (internally defined REVEL score threshold <= 0.5, PMID: 27666373). To our knowledge, functional studies have not been reported for this variant. This variant has not been reported in individuals affected with PMS2-related disorders in the literature. This variant has been identified in 1/251488 chromosomes in the general population by the Genome Aggregation Database (gnomAD). The available evidence is insufficient to determine the role of this variant in disease conclusively. Therefore, this variant is classified as a Variant of Uncertain Significance.

This study involves interpretation of variants in research participants for the purpose of population health screening. Participant phenotype was not available at the time of variant classification. Additional details can be found in publication PMID: 35346344, PMCID: PMC8962531

Color Diagnostics, LLC DBA Color Health
Classification: Uncertain significance for Hereditary cancer-predisposing syndrome. Last evaluated: 2023-12-05. Review status: criteria provided, single submitter. Criteria: ACMG Guidelines, 2015. Collection method: clinical testing. Allele origin: germline.
Comment: This missense variant replaces lysine with asparagine at codon 465 of the PMS2 protein. Computational prediction suggests that this variant may not impact protein structure and function (internally defined REVEL score threshold <= 0.5, PMID: 27666373). To our knowledge, functional studies have not been reported for this variant. This variant has not been reported in individuals affected with PMS2-related disorders in the literature. This variant has been identified in 1/251488 chromosomes in the general population by the Genome Aggregation Database (gnomAD). The available evidence is insufficient to determine the role of this variant in disease conclusively. Therefore, this variant is classified as a Variant of Uncertain Significance.

Labcorp Genetics (formerly Invitae), Labcorp
Classification: Uncertain significance for Hereditary nonpolyposis colorectal neoplasms. Last evaluated: 2021-01-30. Review status: criteria provided, single submitter. Criteria: Invitae Variant Classification Sherloc (09022015). Collection method: clinical testing. Allele origin: germline.
Comment: In summary, the available evidence is currently insufficient to determine the role of this variant in disease. Therefore, it has been classified as a Variant of Uncertain Significance. Advanced modeling of protein sequence and biophysical properties (such as structural, functional, and spatial information, amino acid conservation, physicochemical variation, residue mobility, and thermodynamic stability) performed at Invitae indicates that this missense variant is not expected to disrupt PMS2 protein function. This variant has not been reported in the literature in individuals with PMS2-related conditions. ClinVar contains an entry for this variant (Variation ID: 492253). This variant is not present in population databases (ExAC no frequency). This sequence change replaces lysine with asparagine at codon 465 of the PMS2 protein (p.Lys465Asn). The lysine residue is weakly conserved and there is a moderate physicochemical difference between lysine and asparagine.

GeneDx
Classification: Uncertain significance. Last evaluated: 2019-04-25. Review status: criteria provided, single submitter. Criteria: GeneDx Variant Classification Process June 2021. Collection method: clinical testing. Allele origin: germline. Affected: yes.
Comment: Not observed at a significant frequency in large population cohorts (Lek et al., 2016); Has not been previously published as pathogenic or benign to our knowledge

NM_000535.7(PMS2):c.1395A>C (p.Lys465Asn)

Gene: PMS2 (PMS1 homolog 2, mismatch repair system component; minus strand). Cytogenetic location: 7p22.1.
Variant type: single nucleotide variant.
Coding change: c.1395A>C on transcript NM_000535.7 (MANE Select); coding-DNA position 1395, A replaced by C.
Protein change: p.Lys465Asn; replaces lysine 465 with asparagine.
Molecular consequence: missense variant. On other transcripts: non-coding transcript variant (1).
Genome position (GRCh38, 1-based): chr7:5,987,370, T>G on the plus strand (A>C on the coding strand, the complement: PMS2 is on the minus strand). VCF-style: chr7-5987370-T-G. GRCh37 (hg19) VCF-style: chr7-6027001-T-G.
Other names: c.990A>C, p.Lys330Asn (NM_001322003.2, NM_001322004.2, NM_001322005.2 and 1 more transcripts); c.1239A>C, p.Lys413Asn (NM_001322006.2); c.1077A>C, p.Lys359Asn (NM_001322007.2, NM_001322008.2); c.834A>C, p.Lys278Asn (NM_001322010.2); c.462A>C, p.Lys154Asn (NM_001322011.2, NM_001322012.2); c.822A>C, p.Lys274Asn (NM_001322013.2); c.1395A>C, p.Lys465Asn (NM_001322014.2); c.1086A>C, p.Lys362Asn (NM_001322015.2); short protein forms K465N, K278N, K274N, K330N, K413N, K154N, K362N, K359N.
Identifiers: ClinVar variation 492253 (VCV000492253.16), dbSNP rs1208428952, ClinGen allele CA366742134.